The following is an entry in ClinVar:

NM_016604.4(KDM3B):c.804A>G (p.Lys268=)

Gene: KDM3B (lysine demethylase 3B; plus strand). Cytogenetic location: 5q31.2.
Variant type: single nucleotide variant.
Coding change: c.804A>G on transcript NM_016604.4 (MANE Select); coding-DNA position 804, A replaced by G.
Protein change: p.Lys268=; no amino-acid change (lysine 268 retained).
Molecular consequence: synonymous variant.
Genome position (GRCh38, 1-based): chr5:138,386,045, A>G. VCF-style: chr5-138386045-A-G. GRCh37 (hg19) VCF-style: chr5-137721734-A-G.
Identifiers: ClinVar variation 789583 (VCV000789583.5), dbSNP rs576887795, ClinGen allele CA3428807.

ClinVar aggregate classification (germline): Likely benign. Review status: criteria provided, single submitter (1 of 4 stars). 2 submissions from 2 submitters: Likely benign (1). 1 of the submissions does not count toward it. Last evaluated 2018-06-05.

Conditions:
KDM3B-related disorder. Also called: KDM3B-related condition.

Allele frequency attached by ClinVar (database versions not stated): gnomAD exomes 0.00002; ExAC 0.00003; 1000 Genomes Project 30x 0.00016; 1000 Genomes Project 0.00020; gnomAD 0.00025 and 0.00029; TOPMed 0.00052.
gnomAD v4.1: 66 of 1,606,764 alleles (0.0041%); highest among the groups gnomAD compares: Admixed American, 0.072%; no homozygotes.

Submissions (2):

Labcorp Genetics (formerly Invitae), Labcorp
Classification: Likely benign. Last evaluated: 2018-06-05. Review status: criteria provided, single submitter. Criteria: Invitae Variant Classification Sherloc (09022015). Collection method: clinical testing. Allele origin: germline.

PreventionGenetics, part of Exact Sciences
Classification: Likely benign for KDM3B-related condition. Last evaluated: 2020-11-10. Review status: no assertion criteria provided. Collection method: clinical testing. Allele origin: germline. Not counted in ClinVar's aggregate classification.
Comment: This variant is classified as likely benign based on ACMG/AMP sequence variant interpretation guidelines (Richards et al. 2015 PMID: 25741868, with internal and published modifications).